The following is an entry in ClinVar:

ClinVar aggregate classification (germline): Uncertain significance (1 of 4 stars; one submission).

gnomAD v4.1: 22 of 1,476,176 alleles (0.0015%); highest among the groups gnomAD compares: Non-Finnish European, 0.0018%; no homozygotes.

Submission:

Labcorp Genetics (formerly Invitae), Labcorp
Classification: Uncertain significance. Last evaluated: 2022-12-15. Review status: criteria provided, single submitter. Criteria: Invitae Variant Classification Sherloc (09022015). Collection method: clinical testing. Allele origin: germline.
Comment: In summary, the available evidence is currently insufficient to determine the role of this variant in disease. Therefore, it has been classified as a Variant of Uncertain Significance. This variant has not been reported in the literature in individuals affected with KL-related conditions. This variant is not present in population databases (gnomAD no frequency). This sequence change creates a premature translational stop signal (p.Trp42*) in the KL gene. It is expected to result in an absent or disrupted protein product. However, the current clinical and genetic evidence is not sufficient to establish whether loss-of-function variants in KL cause disease.

NM_004795.4(KL):c.126G>A (p.Trp42Ter)

Gene: KL (klotho; plus strand). Cytogenetic location: 13q13.1.
Variant type: single nucleotide variant.
Coding change: c.126G>A on transcript NM_004795.4 (MANE Select); coding-DNA position 126, G replaced by A.
Protein change: p.Trp42Ter; replaces tryptophan 42 with a stop codon.
Molecular consequence: nonsense.
Genome position (GRCh38, 1-based): chr13:33,016,566, G>A. VCF-style: chr13-33016566-G-A. GRCh37 (hg19) VCF-style: chr13-33590704-G-A.
Other names: short protein forms W42*.
Identifiers: ClinVar variation 2881503 (VCV002881503.3), dbSNP rs1342348200, ClinGen allele CA387780019.
Genomic context (GRCh38, chr13:33,016,566, plus strand): 5'-GCTGCTGGGCCTGGGCGGCCGCCGCCTGCGTGCGGAGCCGGGCGACGGCGCGCAGACCTG[G>A]GCCCGTTTCTCGCGGCCTCCTGCCCCCGAGGCCGCGGGCCTCTTCCAGGGCACCTTCCCC-3'